The following is an entry in ClinVar:

NM_017654.4(SAMD9):c.3073A>C (p.Ser1025Arg)

Gene: SAMD9 (sterile alpha motif domain containing 9; minus strand). Cytogenetic location: 7q21.2.
Variant type: single nucleotide variant.
Coding change: c.3073A>C on transcript NM_017654.4 (MANE Select); coding-DNA position 3073, A replaced by C.
Protein change: p.Ser1025Arg; replaces serine 1025 with arginine.
Molecular consequence: missense variant.
Genome position (GRCh38, 1-based): chr7:93,103,025, T>G on the plus strand (A>C on the coding strand, the complement: SAMD9 is on the minus strand). VCF-style: chr7-93103025-T-G. GRCh37 (hg19) VCF-style: chr7-92732338-T-G.
Other names: c.3073A>C, p.Ser1025Arg (NM_001193307.2); short protein forms S1025R.
Identifiers: ClinVar variation 3437097 (VCV003437097.1).
Genomic context (GRCh38, chr7:93,103,025, plus strand): 5'-CTTCATGTTCATCGCGGTGTCTTGTGAGTAGGAGTGTGTGCATATCTTGCAAAAATTTAC[T>G]TTTTCCCATACCAGTATCGAAGAACAAATTCTCAGTTAGCATATCCAACATAATTTGACT-3'
Protein context (NP_060124.2, residues 1015-1035): NLFFDTGMGK[Ser1025Arg]KFLQDMHTLL

ClinVar aggregate classification (germline): Uncertain significance (1 of 4 stars; one submission).

Conditions:
Inborn genetic diseases. Identifiers: MedGen C0950123, MeSH D030342.

gnomAD v4.1: 1 of 1,613,882 alleles (0.000062%); highest among the groups gnomAD compares: Non-Finnish European, 0.000085%; no homozygotes.

Submission:

Ambry Genetics
Classification: Uncertain significance for Inborn genetic diseases. Last evaluated: 2024-12-08. Review status: criteria provided, single submitter. Criteria: Ambry Variant Classification Scheme 2023. Collection method: clinical testing. Allele origin: germline.
Comment: The p.S1025R variant (also known as c.3073A>C), located in coding exon 1 of the SAMD9 gene, results from an A to C substitution at nucleotide position 3073. The serine at codon 1025 is replaced by arginine, an amino acid with dissimilar properties. This amino acid position is conserved. In addition, this alteration is predicted to be tolerated by in silico analysis. Based on the available evidence, the clinical significance of this variant remains unclear.